The following is an entry in ClinVar:

NM_012330.4(KAT6B):c.996A>G (p.Ala332=)

Gene: KAT6B (lysine acetyltransferase 6B; plus strand). Cytogenetic location: 10q22.2.
Variant type: single nucleotide variant.
Coding change: c.996A>G on transcript NM_012330.4 (MANE Select); coding-DNA position 996, A replaced by G.
Protein change: p.Ala332=; no amino-acid change (alanine 332 retained).
Molecular consequence: synonymous variant. On other transcripts: intron variant (5).
Genome position (GRCh38, 1-based): chr10:74,972,574, A>G. VCF-style: chr10-74972574-A-G. GRCh37 (hg19) VCF-style: chr10-76732332-A-G.
Other names: c.996A>G, p.Ala332= (NM_001256468.2, NM_001256469.2, NM_001370132.1 and 7 more transcripts); c.846+2799A>G (NM_001370133.1); c.193-6650A>G (NM_001370134.1); c.928+2473A>G (NM_001370143.1, NM_001370144.1); c.192+12496A>G (NM_001370135.1).
Identifiers: ClinVar variation 1694564 (VCV001694564.31), dbSNP rs2133688730, ClinGen allele CA470173275.

ClinVar aggregate classification (germline): Likely benign (1 of 4 stars; one submission).

Allele frequency attached by ClinVar (database versions not stated): gnomAD exomes below 0.00001.
gnomAD v4.1: 1 of 1,613,090 alleles (0.000062%); highest among the groups gnomAD compares: Non-Finnish European, 0.000085%; no homozygotes.

Submission:

CeGaT Center for Human Genetics Tuebingen
Classification: Likely benign. Last evaluated: 2022-06-01. Review status: criteria provided, single submitter. Criteria: CeGaT Center For Human Genetics Tuebingen Variant Classification Criteria Version 2. Collection method: clinical testing. Allele origin: germline. Affected: yes. Observed: 1 variant allele.
Comment: KAT6B: BP4